The following is an entry in ClinVar:

ClinVar aggregate classification (germline): Uncertain significance. Review status: criteria provided, multiple submitters, no conflicts (2 of 4 stars). 4 submissions from 4 submitters: Uncertain significance (3). 1 of the submissions does not count toward it. Last evaluated 2026-02-02.

Conditions:
Holoprosencephaly 2 (HPE2). Identifiers: Orphanet 2162, MedGen C1834877, MONDO:0007999, OMIM 157170.
SIX3-related disorder. Also called: SIX3-related condition; SIX3-Related Disorders.

gnomAD v4.1: 1 of 1,588,570 alleles (0.000063%); highest among the groups gnomAD compares: East Asian, 0.0023%; no homozygotes.

Submissions (4):

Women's Health and Genetics/Laboratory Corporation of America, LabCorp
Classification: Uncertain significance. Last evaluated: 2026-02-02. Review status: criteria provided, single submitter. Criteria: LabCorp Variant Classification Summary - May 2015. Collection method: clinical testing. Allele origin: germline.
Comment: Variant summary: SIX3 c.949G>A (p.Gly317Ser) results in a non-conservative amino acid change in the encoded protein sequence. Algorithms developed to predict the effect of missense changes on protein structure and function all suggest that this variant is likely to be disruptive. The variant was absent in 245964 control chromosomes. The available data on variant occurrences in the general population are insufficient to allow any conclusion about variant significance. To our knowledge, no occurrence of c.949G>A in individuals affected with SIX3-related conditions and no experimental evidence demonstrating its impact on protein function have been reported. ClinVar contains an entry for this variant (Variation ID: 1695505). Based on the evidence outlined above, the variant was classified as uncertain significance.

Labcorp Genetics (formerly Invitae), Labcorp
Classification: Uncertain significance for Holoprosencephaly 2. Last evaluated: 2022-09-25. Review status: criteria provided, single submitter. Criteria: Invitae Variant Classification Sherloc (09022015). Collection method: clinical testing. Allele origin: germline.
Comment: In summary, the available evidence is currently insufficient to determine the role of this variant in disease. Therefore, it has been classified as a Variant of Uncertain Significance. ClinVar contains an entry for this variant (Variation ID: 1695505). Algorithms developed to predict the effect of missense changes on protein structure and function are either unavailable or do not agree on the potential impact of this missense change (SIFT: "Tolerated"; PolyPhen-2: "Possibly Damaging"; Align-GVGD: "Class C0"). This sequence change replaces glycine, which is neutral and non-polar, with serine, which is neutral and polar, at codon 317 of the SIX3 protein (p.Gly317Ser). This variant is not present in population databases (gnomAD no frequency). This variant has not been reported in the literature in individuals affected with SIX3-related conditions.

GeneDx
Classification: Uncertain significance. Last evaluated: 2022-07-08. Review status: criteria provided, single submitter. Criteria: GeneDx Variant Classification Process June 2021. Collection method: clinical testing. Allele origin: germline. Affected: yes.
Comment: Not observed at significant frequency in large population cohorts (gnomAD); In silico analysis supports that this missense variant does not alter protein structure/function; Has not been previously published as pathogenic or benign to our knowledge

PreventionGenetics, part of Exact Sciences
Classification: Uncertain significance for SIX3-related condition. Last evaluated: 2023-12-26. Review status: no assertion criteria provided. Collection method: clinical testing. Allele origin: germline. Not counted in ClinVar's aggregate classification.
Comment: The SIX3 c.949G>A variant is predicted to result in the amino acid substitution p.Gly317Ser. To our knowledge, this variant has not been reported in the literature or in a large population database, indicating this variant is rare. Of note, variants at adjacent amino acids (p.Ala314Ala and p.Thr316Ile) have been reported in patients with holoprosencephaly (Case 375 and 383 in Table S1 - Tekendo-Ngongang et al. 2020. PubMed ID: 32022405; Case 6 in Ribeiro et al. 2006. PubMed ID: 17001667). At this time, the clinical significance of this variant is uncertain due to the absence of conclusive functional and genetic evidence.

NM_005413.4(SIX3):c.949G>A (p.Gly317Ser)

Gene: SIX3 (SIX homeobox 3; plus strand). Cytogenetic location: 2p21.
Variant type: single nucleotide variant.
Coding change: c.949G>A on transcript NM_005413.4 (MANE Select); coding-DNA position 949, G replaced by A.
Protein change: p.Gly317Ser; replaces glycine 317 with serine.
Molecular consequence: missense variant.
Genome position (GRCh38, 1-based): chr2:44,944,710, G>A. VCF-style: chr2-44944710-G-A. GRCh37 (hg19) VCF-style: chr2-45171849-G-A.
Other names: short protein forms G317S.
Identifiers: ClinVar variation 1695505 (VCV001695505.12), dbSNP rs2103645634, ClinGen allele CA346800718.